The following is an entry in ClinVar:

NM_002691.4(POLD1):c.584_589+12del

Gene: POLD1 (DNA polymerase delta 1, catalytic subunit; plus strand). Cytogenetic location: 19q13.33.
Variant type: Deletion.
Coding change: c.584_589+12del on transcript NM_002691.4 (MANE Select); coding-DNA position 584 through 12 bases into the intron after coding-DNA position 589, 18 bases deleted (GAGAGAGTGAGTGCTCCC).
Molecular consequence: splice donor variant.
Genome position (GRCh38, 1-based): chr19:50,402,119-50,402,136, GAGAGAGTGAGTGCTCCC deleted; deleting any 18 consecutive bases within chr19:50,402,111-50,402,136 gives the same sequence; the c. name uses the placement nearest the transcript's 3' end. VCF-style (leftmost placement, unchanged base first): chr19-50402110-TGTGCTCCCGAGAGAGTGA-T. GRCh37 (hg19) VCF-style: chr19-50905367-TGTGCTCCCGAGAGAGTGA-T.
Other names: c.584_589+12del (NM_001256849.1, NM_001308632.1).
Identifiers: ClinVar variation 1047414 (VCV001047414.8), dbSNP rs2038666402, ClinGen allele CA2340882623.
Genomic context (GRCh38, chr19:50,402,110, plus strand): 5'-TCAGCCGGGACAGTCGCGGGGGGAGGGAGCTGACTGGGCCGGCCGTGCTGGCTGTGGAAC[TGTGCTCCCGAGAGAGTGA>T]GTGCTCCCCCAGGATCAGCGGGTTGGAGGGTCCCCTCGGGAGGCCATTGGCTGGTCCCAG-3'

ClinVar aggregate classification (germline): Uncertain significance (1 of 4 stars; one submission).

Conditions:
POLD1-related polyposis and colorectal cancer syndrome (CRCS10). Also called: Colorectal cancer 10; COLORECTAL CANCER, SUSCEPTIBILITY TO, ON CHROMOSOME 19q; Colorectal cancer, susceptibility to, 10. Identifiers: Orphanet 220460, MedGen C2675481, MONDO:0012953, OMIM 612591.

Submission:

Labcorp Genetics (formerly Invitae), Labcorp
Classification: Uncertain significance for POLD1-related polyposis and colorectal cancer syndrome. Last evaluated: 2022-09-27. Review status: criteria provided, single submitter. Criteria: Invitae Variant Classification Sherloc (09022015). Collection method: clinical testing. Allele origin: germline.
Comment: This variant results in the deletion of c.584_589+12del of the POLD1 gene. Missense variants that disrupt the 3'-5' exonuclease (proof-reading) activity of the POLD1 protein are associated with PPAP (polymerase proofreading–associated polyposis) (PMID: 23263490, 23447401). However, loss-of-function variants that result in an absent or severely disrupted POLD1 protein, and missense variants outside the exonuclease domain, are unlikely to be associated with PPAP. This variant is not present in population databases (gnomAD no frequency). In summary, the available evidence is currently insufficient to determine the role of this variant in disease. Therefore, it has been classified as a Variant of Uncertain Significance. This variant has not been reported in the literature in individuals affected with POLD1-related conditions. ClinVar contains an entry for this variant (Variation ID: 1047414). Algorithms developed to predict the effect of sequence changes on RNA splicing suggest that this variant may disrupt the consensus splice site.

Literature cited by the submitters: PubMed 23263490; PubMed 23447401.